The following is an entry in ClinVar:

ClinVar aggregate classification (germline): Uncertain significance (1 of 4 stars; one submission).

Conditions:
Vici syndrome (VICIS). Identifiers: Orphanet 1493, MedGen C1855772, MONDO:0009452, OMIM 242840.

Submission:

Labcorp Genetics (formerly Invitae), Labcorp
Classification: Uncertain significance for Vici syndrome. Last evaluated: 2021-04-27. Review status: criteria provided, single submitter. Criteria: Invitae Variant Classification Sherloc (09022015). Collection method: clinical testing. Allele origin: germline.
Comment: In summary, the available evidence is currently insufficient to determine the role of this variant in disease. Therefore, it has been classified as a Variant of Uncertain Significance. Algorithms developed to predict the effect of missense changes on protein structure and function are either unavailable or do not agree on the potential impact of this missense change (SIFT: "Tolerated"; PolyPhen-2: "Probably Damaging"; Align-GVGD: "Class C0"). This variant has not been reported in the literature in individuals with EPG5-related conditions. This variant is not present in population databases (ExAC no frequency). This sequence change replaces proline with alanine at codon 935 of the EPG5 protein (p.Pro935Ala). The proline residue is moderately conserved and there is a small physicochemical difference between proline and alanine.

NM_020964.3(EPG5):c.2803C>G (p.Pro935Ala)

Gene: EPG5 (ectopic P-granules 5 autophagy tethering factor; minus strand). Cytogenetic location: 18q21.1.
Variant type: single nucleotide variant.
Coding change: c.2803C>G on transcript NM_020964.3 (MANE Select); coding-DNA position 2803, C replaced by G.
Protein change: p.Pro935Ala; replaces proline 935 with alanine.
Molecular consequence: missense variant.
Genome position (GRCh38, 1-based): chr18:45,923,303, G>C on the plus strand (C>G on the coding strand, the complement: EPG5 is on the minus strand). VCF-style: chr18-45923303-G-C. GRCh37 (hg19) VCF-style: chr18-43503269-G-C.
Other names: short protein forms P935A.
Identifiers: ClinVar variation 1391235 (VCV001391235.9), dbSNP rs2050196248, ClinGen allele CA402345125.